The following is an entry in ClinVar:

ClinVar aggregate classification (germline): Uncertain significance. Review status: criteria provided, multiple submitters, no conflicts (2 of 4 stars). 2 submissions from 2 submitters: Uncertain significance (2). Last evaluated 2025-03-10.

Conditions:
SH2B1-related disorder. Also called: SH2B1-related condition.

Allele frequency attached by ClinVar (database versions not stated): gnomAD 0.00001; TOPMed 0.00001; gnomAD exomes 0.00004.
gnomAD v4.1: 59 of 1,613,904 alleles (0.0037%); highest among the groups gnomAD compares: Non-Finnish European, 0.0049%; no homozygotes.

Submissions (2):

PreventionGenetics, part of Exact Sciences
Classification: Uncertain significance for SH2B1-related condition. Last evaluated: 2025-03-10. Review status: criteria provided, single submitter. Criteria: ACMG Guidelines, 2015. Collection method: clinical testing. Allele origin: germline.
Comment: The SH2B1 c.500G>A variant is predicted to result in the amino acid substitution p.Arg167His. This variant has been reported in an individual with obesity (Flores et al. 2019. PubMed ID: 31439647). This variant is reported in 0.0028% of alleles in individuals of Latino descent in gnomAD. At this time, the clinical significance of this variant is uncertain due to the absence of conclusive functional and genetic evidence.

Labcorp Genetics (formerly Invitae), Labcorp
Classification: Uncertain significance. Last evaluated: 2024-08-21. Review status: criteria provided, single submitter. Criteria: Invitae Variant Classification Sherloc (09022015). Collection method: clinical testing. Allele origin: germline.
Comment: This sequence change replaces arginine, which is basic and polar, with histidine, which is basic and polar, at codon 167 of the SH2B1 protein (p.Arg167His). This variant is present in population databases (no rsID available, gnomAD 0.003%). This missense change has been observed in individual(s) with obesity (PMID: 31439647). ClinVar contains an entry for this variant (Variation ID: 1918102). An algorithm developed to predict the effect of missense changes on protein structure and function (PolyPhen-2) suggests that this variant is likely to be tolerated. In summary, the available evidence is currently insufficient to determine the role of this variant in disease. Therefore, it has been classified as a Variant of Uncertain Significance.

Literature cited by the submitters: PubMed 31439647 (cited by Labcorp Genetics (formerly Invitae), Labcorp).

NM_001387430.1(SH2B1):c.500G>A (p.Arg167His)

Gene: SH2B1 (SH2B adaptor protein 1; plus strand). Cytogenetic location: 16p11.2.
Variant type: single nucleotide variant.
Coding change: c.500G>A on transcript NM_001387430.1 (MANE Select); coding-DNA position 500, G replaced by A.
Protein change: p.Arg167His; replaces arginine 167 with histidine.
Molecular consequence: missense variant. On other transcripts: intron variant (1).
Genome position (GRCh38, 1-based): chr16:28,866,594, G>A. VCF-style: chr16-28866594-G-A. GRCh37 (hg19) VCF-style: chr16-28877915-G-A.
Other names: c.500G>A, p.Arg167His (NM_015503.3, NM_001145795.2, NM_001145796.2 and 4 more transcripts); c.-26-780G>A (NM_001308294.2); c.500G>A (NM_001145795.1); short protein forms R167H.
Identifiers: ClinVar variation 1918102 (VCV001918102.6), dbSNP rs1037748087, ClinGen allele CA279250553.
Genomic context (GRCh38, chr16:28,866,594, plus strand): 5'-CGAAGCTCAAGAAGCGCTTTTCCCTGCGTTCAGTGGGTCGCTCTGTCCGAGGCTCAGTCC[G>A]TGGCATCCTGCAGTGGCGGGGGACCGTTGACCCTCCCTCCTCCGCTGGGCCCCTGGAGAC-3'
Protein context (NP_001374359.1, residues 157-177): SVGRSVRGSV[Arg167His]GILQWRGTVD